The following is an entry in ClinVar:

ClinVar aggregate classification (germline): Conflicting classifications of pathogenicity. Review status: criteria provided, conflicting classifications (1 of 4 stars). 5 submissions from 5 submitters: Uncertain significance (3); Likely benign (1). 1 of the submissions does not count toward it. Last evaluated 2026-10-14.

Conditions:
Niemann-Pick disease, type A. Also called: SPHINGOMYELIN LIPIDOSIS; SPHINGOMYELINASE DEFICIENCY; Infantile Neurovisceral ASMD (Niemann-Pick Disease Type A; NPD-A). Identifiers: Orphanet 77292, MedGen C0268242, MONDO:0009756, OMIM 257200. Disease mechanism: loss of function.
SMPD1-related disorder. Also called: SMPD1-related condition.
Niemann-Pick disease, type B. Also called: Chronic Visceral ASMD (Niemann-Pick Disease Type B; NPD-B). Identifiers: Orphanet 77293, MedGen C0268243, MONDO:0011871, OMIM 607616. Disease mechanism: loss of function.

Allele frequency attached by ClinVar (database versions not stated): TOPMed 0.00012; ESP Exome Variant Server 0.00015; 1000 Genomes Project 0.00020; gnomAD 0.00013 and 0.00014; ExAC 0.00023; gnomAD exomes 0.00023; 1000 Genomes Project 30x 0.00031.
gnomAD v4.1: 215 of 1,614,082 alleles (0.013%); highest among the groups gnomAD compares: Admixed American, 0.012%; 2 homozygotes.

Submissions (5):

GeneDx
Classification: Uncertain significance. Last evaluated: 2026-10-14. Review status: criteria provided, single submitter. Criteria: GeneDx Variant Classification Process June 2021. Collection method: clinical testing. Allele origin: germline.
Comment: Reported homozygous in a patient with severe myalgic encephalomyelitis/chronic fatigue syndrome in published literature (PMID: 35943990); In silico analysis suggests that this missense variant does not alter protein structure/function; This variant is associated with the following publications: (PMID: 30788890, 29140481, 39572736, 35943990)

Labcorp Genetics (formerly Invitae), Labcorp
Classification: Likely benign for Niemann-Pick disease, type B; Niemann-Pick disease, type A. Last evaluated: 2026-01-24. Review status: criteria provided, single submitter. Criteria: Invitae Variant Classification Sherloc (09022015). Collection method: clinical testing. Allele origin: germline.

Eurofins Ntd Llc (ga)
Classification: Uncertain significance. Last evaluated: 2018-09-18. Review status: criteria provided, single submitter. Criteria: EGL ClinVar v180209 classification definitions. Collection method: clinical testing. Allele origin: germline. Observed: 1 variant allele, 1 heterozygote.

Illumina Laboratory Services, Illumina
Classification: Uncertain significance for Niemann-Pick disease, type A. Last evaluated: 2018-01-13. Review status: criteria provided, single submitter. Criteria: ICSL Variant Classification Criteria 13 December 2019. Collection method: clinical testing. Allele origin: germline.

PreventionGenetics, part of Exact Sciences
Classification: Likely benign for SMPD1-related condition. Last evaluated: 2023-02-24. Review status: no assertion criteria provided. Collection method: clinical testing. Allele origin: germline. Not counted in ClinVar's aggregate classification.
Comment: This variant is classified as likely benign based on ACMG/AMP sequence variant interpretation guidelines (Richards et al. 2015 PMID: 25741868, with internal and published modifications).

NM_000543.5(SMPD1):c.808G>A (p.Gly270Ser)

Gene: SMPD1 (sphingomyelin phosphodiesterase 1; plus strand). Cytogenetic location: 11p15.4.
Variant type: single nucleotide variant.
Coding change: c.808G>A on transcript NM_000543.5 (MANE Select); coding-DNA position 808, G replaced by A.
Protein change: p.Gly270Ser; replaces glycine 270 with serine.
Molecular consequence: missense variant. On other transcripts: 5 prime UTR variant (1), non-coding transcript variant (1).
Genome position (GRCh38, 1-based): chr11:6,391,873, G>A. VCF-style: chr11-6391873-G-A. GRCh37 (hg19) VCF-style: chr11-6413103-G-A.
Other names: c.805G>A, p.Gly269Ser (NM_001007593.3); c.808G>A, p.Gly270Ser (NM_001318087.2, NM_001365135.2); c.-154G>A (NM_001318088.2); short protein forms G270S, G269S.
Identifiers: ClinVar variation 305199 (VCV000305199.24), dbSNP rs202244080, ClinGen allele CA5852691.